The following is an entry in ClinVar:

ClinVar aggregate classification (germline): Likely pathogenic. Review status: criteria provided, multiple submitters, no conflicts (2 of 4 stars). 2 submissions from 2 submitters: Likely pathogenic (2). Last evaluated 2025-11-25.

Conditions:
Tyrosinemia type II (TYRSN2). Also called: TAT DEFICIENCY; TYROSINE AMINOTRANSFERASE DEFICIENCY; TYROSINE TRANSAMINASE DEFICIENCY; KERATOSIS PALMOPLANTARIS WITH CORNEAL DYSTROPHY; OREGON TYPE TYROSINEMIA. Identifiers: Orphanet 28378, MedGen C0268487, MONDO:0010160, OMIM 276600.

Submissions (2):

Myriad Genetics, Inc.
Classification: Likely pathogenic for Tyrosinemia type II. Last evaluated: 2025-11-25. Review status: criteria provided, single submitter. Criteria: Myriad Autosomal Dominant, Autosomal Recessive and X-Linked Classification Criteria (2023). Collection method: clinical testing. Allele origin: unknown.
Comment: NM_000353.2(TAT):c.759+1G>A is a variant in a canonical splice site classified as likely pathogenic in the context of tyrosinemia type II. c.759+1G>A has not been observed in cases with relevant disease. Relevant functional assessments of this variant are not available in the literature. c.759+1G>A has not been observed in referenced population frequency databases. In summary, NM_000353.2(TAT):c.759+1G>A is a variant in a canonical splice site in a gene where loss of function is a known mechanism of disease and is predicted to disrupt protein function. Please note: this variant was assessed in the context of healthy population screening.

Labcorp Genetics (formerly Invitae), Labcorp
Classification: Likely pathogenic for Tyrosinemia type II. Last evaluated: 2023-06-16. Review status: criteria provided, single submitter. Criteria: Invitae Variant Classification Sherloc (09022015). Collection method: clinical testing. Allele origin: germline.
Comment: This variant has not been reported in the literature in individuals affected with TAT-related conditions. In summary, the currently available evidence indicates that the variant is pathogenic, but additional data are needed to prove that conclusively. Therefore, this variant has been classified as Likely Pathogenic. Algorithms developed to predict the effect of sequence changes on RNA splicing suggest that this variant may disrupt the consensus splice site. ClinVar contains an entry for this variant (Variation ID: 1495481). This variant is not present in population databases (gnomAD no frequency). This sequence change affects a donor splice site in intron 7 of the TAT gene. It is expected to disrupt RNA splicing. Variants that disrupt the donor or acceptor splice site typically lead to a loss of protein function (PMID: 16199547), and loss-of-function variants in TAT are known to be pathogenic (PMID: 9544843).

Literature cited by the submitters: PubMed 16199547 (cited by Labcorp Genetics (formerly Invitae), Labcorp); PubMed 9544843 (cited by Labcorp Genetics (formerly Invitae), Labcorp).

NM_000353.3(TAT):c.759+1G>A

Genes: TAT (tyrosine aminotransferase; minus strand), TAT-AS1 (TAT antisense RNA 1; plus strand). Cytogenetic location: 16q22.2.
Variant type: single nucleotide variant.
Coding change: c.759+1G>A on transcript NM_000353.3 (MANE Select); the canonical splice donor site of the intron after coding-DNA position 759, G replaced by A.
Molecular consequence: splice donor variant.
Genome position (GRCh38, 1-based): chr16:71,571,605, C>T on the plus strand (G>A on the coding strand, the complement: TAT is on the minus strand). VCF-style: chr16-71571605-C-T. GRCh37 (hg19) VCF-style: chr16-71605508-C-T.
Identifiers: ClinVar variation 1495481 (VCV001495481.7), dbSNP rs2145232021, ClinGen allele CA396651844.